The following is an entry in ClinVar:

ClinVar aggregate classification (germline): Uncertain significance (1 of 4 stars; one submission).

Conditions:
Inborn genetic diseases. Identifiers: MedGen C0950123, MeSH D030342.

Submission:

Ambry Genetics
Classification: Uncertain significance for Inborn genetic diseases. Last evaluated: 2024-12-23. Review status: criteria provided, single submitter. Criteria: Ambry Variant Classification Scheme 2023. Collection method: clinical testing. Allele origin: germline.
Comment: The p.P192R variant (also known as c.575C>G), located in coding exon 5 of the ETV6 gene, results from a C to G substitution at nucleotide position 575. The proline at codon 192 is replaced by arginine, an amino acid with dissimilar properties. This amino acid position is conserved. In addition, this alteration is predicted to be tolerated by in silico analysis. Based on the available evidence, the clinical significance of this variant remains unclear.

NM_001987.5(ETV6):c.575C>G (p.Pro192Arg)

Gene: ETV6 (ETS variant transcription factor 6; plus strand). Cytogenetic location: 12p13.2.
Variant type: single nucleotide variant.
Coding change: c.575C>G on transcript NM_001987.5 (MANE Select); coding-DNA position 575, C replaced by G.
Protein change: p.Pro192Arg; replaces proline 192 with arginine.
Molecular consequence: missense variant.
Genome position (GRCh38, 1-based): chr12:11,869,535, C>G. VCF-style: chr12-11869535-C-G. GRCh37 (hg19) VCF-style: chr12-12022469-C-G.
Other names: c.572C>G, p.Pro191Arg (NM_001413913.1); c.548C>G, p.Pro183Arg (NM_001413914.1); c.311C>G, p.Pro104Arg (NM_001413915.1); c.575C>G, p.Pro192Arg (NM_001413916.1, NM_001413917.1); short protein forms P191R, P183R, P104R, P192R.
Identifiers: ClinVar variation 3846490 (VCV003846490.1).